The following is an entry in ClinVar:

NM_018979.4(WNK1):c.2264T>A (p.Val755Glu)

Gene: WNK1 (WNK lysine deficient protein kinase 1; plus strand). Cytogenetic location: 12p13.33.
Variant type: single nucleotide variant.
Coding change: c.2264T>A on transcript NM_018979.4 (MANE Select); coding-DNA position 2264, T replaced by A.
Protein change: p.Val755Glu; replaces valine 755 with glutamic acid.
Molecular consequence: missense variant.
Genome position (GRCh38, 1-based): chr12:878,252, T>A. VCF-style: chr12-878252-T-A. GRCh37 (hg19) VCF-style: chr12-987418-T-A.
Other names: c.3503T>A, p.Val1168Glu (NM_001184985.2); c.2261T>A, p.Val754Glu (NM_014823.3); c.3758T>A, p.Val1253Glu (NM_213655.5); short protein forms V1168E, V1253E, V754E, V755E.
Identifiers: ClinVar variation 3760754 (VCV003760754.2).

ClinVar aggregate classification (germline): Uncertain significance (1 of 4 stars; one submission).

Conditions:
Neuropathy, hereditary sensory and autonomic, type 2A (HSAN2A). Also called: ACROOSTEOLYSIS, GIACCAI TYPE; ACROOSTEOLYSIS, NEUROGENIC; MORVAN DISEASE; NEUROPATHY, CONGENITAL SENSORY; NEUROPATHY, HEREDITARY SENSORY RADICULAR, AUTOSOMAL RECESSIVE; NEUROPATHY, HEREDITARY SENSORY, TYPE IIA. Identifiers: Orphanet 970, MedGen C2752089, MONDO:0024309, OMIM 201300.
Pseudohypoaldosteronism type 2C (PHA2C). Also called: Pseudohypoaldosteronism Type IIC. Identifiers: Orphanet 757, Orphanet 88940, MedGen C1840391, MONDO:0013778, OMIM 614492.

gnomAD v4.1: 4 of 1,614,148 alleles (0.00025%); highest among the groups gnomAD compares: Admixed American, 0.005%; no homozygotes.

Submission:

Labcorp Genetics (formerly Invitae), Labcorp
Classification: Uncertain significance for Neuropathy, hereditary sensory and autonomic, type 2A; Pseudohypoaldosteronism type 2C. Last evaluated: 2024-02-15. Review status: criteria provided, single submitter. Criteria: Invitae Variant Classification Sherloc (09022015). Collection method: clinical testing. Allele origin: germline.
Comment: This sequence change replaces valine, which is neutral and non-polar, with glutamic acid, which is acidic and polar, at codon 1253 of the WNK1 protein (p.Val1253Glu). This variant is present in population databases (rs760894152, gnomAD 0.009%). This variant has not been reported in the literature in individuals affected with WNK1-related conditions. Advanced modeling of protein sequence and biophysical properties (such as structural, functional, and spatial information, amino acid conservation, physicochemical variation, residue mobility, and thermodynamic stability) performed at Invitae indicates that this missense variant is not expected to disrupt WNK1 protein function with a negative predictive value of 95%. In summary, the available evidence is currently insufficient to determine the role of this variant in disease. Therefore, it has been classified as a Variant of Uncertain Significance.